The following is an entry in ClinVar:

ClinVar aggregate classification (germline): Uncertain significance (1 of 4 stars; one submission).

Allele frequency attached by ClinVar (database versions not stated): gnomAD 0.00001; TOPMed 0.00001.
gnomAD v4.1: 1 of 1,613,920 alleles (0.000062%); highest among the groups gnomAD compares: East Asian, 0.0022%; no homozygotes.

Submission:

GeneDx
Classification: Uncertain significance. Last evaluated: 2024-05-15. Review status: criteria provided, single submitter. Criteria: GeneDx Variant Classification Process June 2021. Collection method: clinical testing. Allele origin: germline. Affected: yes.
Comment: Not observed at significant frequency in large population cohorts (gnomAD); In silico analysis indicates that this missense variant does not alter protein structure/function; Has not been previously published as pathogenic or benign to our knowledge

NM_001875.5(CPS1):c.3325G>A (p.Val1109Ile)

Gene: CPS1 (carbamoyl-phosphate synthase 1; plus strand). Cytogenetic location: 2q34.
Variant type: single nucleotide variant.
Coding change: c.3325G>A on transcript NM_001875.5 (MANE Select); coding-DNA position 3325, G replaced by A.
Protein change: p.Val1109Ile; replaces valine 1109 with isoleucine.
Molecular consequence: missense variant. On other transcripts: non-coding transcript variant (2).
Genome position (GRCh38, 1-based): chr2:210,648,046, G>A. VCF-style: chr2-210648046-G-A. GRCh37 (hg19) VCF-style: chr2-211512770-G-A.
Other names: c.3325G>A, p.Val1109Ile (NM_001122633.3, NM_001369257.1); c.3358G>A, p.Val1120Ile (NM_001369256.1); short protein forms V1109I, V1120I.
Identifiers: ClinVar variation 1312373 (VCV001312373.3), dbSNP rs1405959957, ClinGen allele CA350436404.